The following is an entry in ClinVar:

NM_022047.4(DEF6):c.1697C>A (p.Ser566Tyr)

Gene: DEF6 (DEF6 guanine nucleotide exchange factor; plus strand). Cytogenetic location: 6p21.31.
Variant type: single nucleotide variant.
Coding change: c.1697C>A on transcript NM_022047.4 (MANE Select); coding-DNA position 1697, C replaced by A.
Protein change: p.Ser566Tyr; replaces serine 566 with tyrosine.
Molecular consequence: missense variant.
Genome position (GRCh38, 1-based): chr6:35,321,211, C>A. VCF-style: chr6-35321211-C-A. GRCh37 (hg19) VCF-style: chr6-35288988-C-A.
Other names: short protein forms S566Y.
Identifiers: ClinVar variation 2182072 (VCV002182072.4), dbSNP rs2534194351, ClinGen allele CA363768835.
Genomic context (GRCh38, chr6:35,321,211, plus strand): 5'-GCCTTTCTCCTTACTTGCCTGCCTTCTCTCTGCCAGATAAGCGTCCGGTCACCAGCAGCT[C>A]CTTCTCAGGCTTCCAGCCCCCTCTGCTTGCCCACCGTGACTCCTCCCTAAAGCGCCTGAC-3'
Protein context (NP_071330.3, residues 556-576): PGDKRPVTSS[Ser566Tyr]FSGFQPPLLA

ClinVar aggregate classification (germline): Uncertain significance (1 of 4 stars; one submission).

Allele frequency attached by ClinVar (database versions not stated): gnomAD exomes below 0.00001.

Submission:

Labcorp Genetics (formerly Invitae), Labcorp
Classification: Uncertain significance. Last evaluated: 2022-06-18. Review status: criteria provided, single submitter. Criteria: Invitae Variant Classification Sherloc (09022015). Collection method: clinical testing. Allele origin: germline.
Comment: This sequence change replaces serine, which is neutral and polar, with tyrosine, which is neutral and polar, at codon 566 of the DEF6 protein (p.Ser566Tyr). This variant is not present in population databases (gnomAD no frequency). This variant has not been reported in the literature in individuals affected with DEF6-related conditions. Algorithms developed to predict the effect of missense changes on protein structure and function (SIFT, PolyPhen-2, Align-GVGD) all suggest that this variant is likely to be tolerated. In summary, the available evidence is currently insufficient to determine the role of this variant in disease. Therefore, it has been classified as a Variant of Uncertain Significance.